The following is an entry in ClinVar:

NM_006265.3(RAD21):c.363G>C (p.Leu121=)

Gene: RAD21 (RAD21 cohesin complex component; minus strand). Cytogenetic location: 8q24.11.
Variant type: single nucleotide variant.
Coding change: c.363G>C on transcript NM_006265.3 (MANE Select); coding-DNA position 363, G replaced by C.
Protein change: p.Leu121=; no amino-acid change (leucine 121 retained).
Molecular consequence: synonymous variant.
Genome position (GRCh38, 1-based): chr8:116,861,852, C>G on the plus strand (G>C on the coding strand, the complement: RAD21 is on the minus strand). VCF-style: chr8-116861852-C-G. GRCh37 (hg19) VCF-style: chr8-117874091-C-G.
Identifiers: ClinVar variation 589414 (VCV000589414.10), dbSNP rs959964243, ClinGen allele CA184275938.

ClinVar aggregate classification (germline): Likely benign. Review status: criteria provided, multiple submitters, no conflicts (2 of 4 stars). 3 submissions from 3 submitters: Likely benign (3). Last evaluated 2025-09-16.

Conditions:
Inborn genetic diseases. Identifiers: MedGen C0950123, MeSH D030342.
Cornelia de Lange syndrome 4 (CDLS4). Also called: RAD21-Related Cornelia de Lange Syndrome; CORNELIA DE LANGE SYNDROME 4 WITH OR WITHOUT MIDLINE BRAIN DEFECTS. Identifiers: Orphanet 199, MedGen C3553517, MONDO:0013864, OMIM 614701.

Allele frequency attached by ClinVar (database versions not stated): gnomAD exomes below 0.00001; gnomAD 0.00003; TOPMed 0.00007.
gnomAD v4.1: 6 of 1,608,930 alleles (0.00037%); highest among the groups gnomAD compares: Admixed American, 0.005%; no homozygotes.

Submissions (3):

Labcorp Genetics (formerly Invitae), Labcorp
Classification: Likely benign for Cornelia de Lange syndrome 4. Last evaluated: 2025-09-16. Review status: criteria provided, single submitter. Criteria: Invitae Variant Classification Sherloc (09022015). Collection method: clinical testing. Allele origin: germline.

GeneDx
Classification: Likely benign. Last evaluated: 2022-08-03. Review status: criteria provided, single submitter. Criteria: GeneDx Variant Classification Process June 2021. Collection method: clinical testing. Allele origin: germline. Affected: yes.
Comment: See Variant Classification Assertion Criteria.

Ambry Genetics
Classification: Likely benign for Inborn genetic diseases. Last evaluated: 2016-10-03. Review status: criteria provided, single submitter. Criteria: Ambry Variant Classification Scheme 2023. Collection method: clinical testing. Allele origin: germline.